The following is an entry in ClinVar:

ClinVar aggregate classification (germline): Uncertain significance (1 of 4 stars; one submission).

Conditions:
Kabuki syndrome. Also called: Kabuki make-up syndrome; NIIKAWA-KUROKI SYNDROME. Identifiers: Orphanet 2322, MedGen C0796004, MONDO:0016512.

Submission:

Labcorp Genetics (formerly Invitae), Labcorp
Classification: Uncertain significance for Kabuki syndrome. Last evaluated: 2025-12-08. Review status: criteria provided, single submitter. Criteria: Invitae Variant Classification Sherloc (09022015). Collection method: clinical testing. Allele origin: germline.
Comment: This sequence change replaces glutamine, which is neutral and polar, with glutamic acid, which is acidic and polar, at codon 3757 of the KMT2D protein (p.Gln3757Glu). This variant is not present in population databases (gnomAD no frequency). This variant has not been reported in the literature in individuals affected with KMT2D-related conditions. ClinVar contains an entry for this variant (Variation ID: 1950569). Invitae Evidence Modeling of protein sequence and biophysical properties (such as structural, functional, and spatial information, amino acid conservation, physicochemical variation, residue mobility, and thermodynamic stability) indicates that this missense variant is not expected to disrupt KMT2D protein function with a negative predictive value of 95%. In summary, the available evidence is currently insufficient to determine the role of this variant in disease. Therefore, it has been classified as a Variant of Uncertain Significance.

NM_003482.4(KMT2D):c.11269C>G (p.Gln3757Glu)

Gene: KMT2D (lysine methyltransferase 2D; minus strand). Cytogenetic location: 12q13.12.
Variant type: single nucleotide variant.
Coding change: c.11269C>G on transcript NM_003482.4 (MANE Select); coding-DNA position 11269, C replaced by G.
Protein change: p.Gln3757Glu; replaces glutamine 3757 with glutamic acid.
Molecular consequence: missense variant.
Genome position (GRCh38, 1-based): chr12:49,033,436, G>C on the plus strand (C>G on the coding strand, the complement: KMT2D is on the minus strand). VCF-style: chr12-49033436-G-C. GRCh37 (hg19) VCF-style: chr12-49427219-G-C.
Other names: short protein forms Q3757E.
Identifiers: ClinVar variation 1950569 (VCV001950569.5), dbSNP rs2120442767, ClinGen allele CA384720434.